The following is an entry in ClinVar:

NM_001113378.2(FANCI):c.2520C>T (p.Arg840=)

Gene: FANCI (FA complementation group I; plus strand). Cytogenetic location: 15q26.1.
Variant type: single nucleotide variant.
Coding change: c.2520C>T on transcript NM_001113378.2 (MANE Select); coding-DNA position 2520, C replaced by T.
Protein change: p.Arg840=; no amino-acid change (arginine 840 retained).
Molecular consequence: synonymous variant. On other transcripts: intron variant (1).
Genome position (GRCh38, 1-based): chr15:89,294,978, C>T. VCF-style: chr15-89294978-C-T. GRCh37 (hg19) VCF-style: chr15-89838209-C-T.
Other names: c.2241C>T, p.Arg747= (NM_001376910.1); c.2520C>T, p.Arg840= (NM_001376911.1); c.2456+981C>T (NM_018193.3).
Identifiers: ClinVar variation 2192110 (VCV002192110.14), dbSNP rs1210098933, ClinGen allele CA492083479.

ClinVar aggregate classification (germline): Likely benign. Review status: criteria provided, multiple submitters, no conflicts (2 of 4 stars). 2 submissions from 2 submitters: Likely benign (2). Last evaluated 2025-06-01.

Conditions:
Fanconi anemia (FA). Also called: Fanconi's anemia. Identifiers: Orphanet 84, MedGen C0015625, MeSH D005199, MONDO:0019391.

gnomAD v4.1: 9 of 1,552,294 alleles (0.00058%); highest among the groups gnomAD compares: Non-Finnish European, 0.00078%; no homozygotes.

Submissions (2):

CeGaT Center for Human Genetics Tuebingen
Classification: Likely benign. Last evaluated: 2025-06-01. Review status: criteria provided, single submitter. Criteria: CeGaT Center For Human Genetics Tuebingen Variant Classification Criteria Version 2. Collection method: clinical testing. Allele origin: germline. Affected: yes. Observed: 1 variant allele.
Comment: FANCI: BP4, BP7

Labcorp Genetics (formerly Invitae), Labcorp
Classification: Likely benign for Fanconi anemia. Last evaluated: 2022-01-16. Review status: criteria provided, single submitter. Criteria: Invitae Variant Classification Sherloc (09022015). Collection method: clinical testing. Allele origin: germline.